The following is an entry in ClinVar:

NC_000023.10:g.(154754294_154774756)_(154774939_154842452)del

Gene: TMLHE (trimethyllysine hydroxylase, epsilon; minus strand). Cytogenetic location: Xq28.
Variant type: Deletion.
Identifiers: ClinVar variation 2581185 (VCV002581185.2).

ClinVar aggregate classification (germline): Uncertain significance (1 of 4 stars; one submission).

Submission:

Women's Health and Genetics/Laboratory Corporation of America, LabCorp
Classification: Uncertain significance. Last evaluated: 2025-01-17. Review status: criteria provided, single submitter. Criteria: LabCorp Variant Classification Summary - May 2015. Collection method: clinical testing. Allele origin: germline.
Comment: Variant summary: The variant involves the deletion of exon 2 in the TMLHE gene. A presumed nomenclature of c.(-2+1_-1-1)_(181+1_182-1)del has been designated for the purposes of this classification. Although the exact breakpoints of this deletion are not known, it is predicted to remove the initiation codon and result in an absence of protein or a truncation of the encoded protein due to translation initiation at a downstream site. A larger overlapping deletion including exon 2 of the TMLHE gene (Position X:154771439-154778199, Size 6,760 bp) was found at a frequency of 0.0019 in 16120 control chromosomes, including 9 hemizygotes. The occurrences in hemizygotes in the control population suggests that the variant might be benign. On the other hand, the variant c.(-2+1_-1-1)_(181+1_182-1)del, has been reported in the literature in multiple male autism probands and in affected male sibs, however it was also reported in healthy adult males, corroborating that this is a relatively common copy number variant (Celestino-Soper_2011, Celestino-Soper_2012, Nava_2012, Turner_2016). At least one of these publications reported that this variant causes epsilon-trimethyllysine hydroxylase deficiency, by demonstrating low or undetectable enzyme activity and lack of the protein by Western blot analysis in cultured LCLs from males with deletion of exon 2 (Celestino-Soper_2012). While at least one study suggested that the variant might be a weak risk factor for autism in males, with an estimated penetrance of 2-4% (Celestino-Soper_2012), additional replication studies are necessary to confirm this conclusion. In addition, a recent knockout mouse model study concluded that absence of the gene is not associated with autism spectrum disorder phenotypes or motor dysfunction in mice (PMID 37553674). The following publications have been ascertained in the context of this evaluation (PMID: 21865298, 22566635, 23092983, 26749308). ClinVar contains an entry for this variant (Variation ID: 1526883). Based on the evidence outlined above, the variant was classified as uncertain significance.

Literature cited by the submitters: PubMed 21865298; PubMed 22566635; PubMed 23092983; PubMed 26749308.